The following is an entry in ClinVar:

ClinVar aggregate classification (germline): Likely pathogenic (1 of 4 stars; one submission).

Conditions:
LAMA2-related muscular dystrophy (LAMA2-RD). Also called: Laminin alpha 2-related dystrophy. Identifiers: MedGen C5679788, MONDO:0100228.

Submission:

Myriad Genetics, Inc.
Classification: Likely pathogenic for LAMA2-related muscular dystrophy. Last evaluated: 2020-01-25. Review status: criteria provided, single submitter. Criteria: Myriad Autosomal Dominant, Autosomal Recessive and X-Linked Classification Criteria (2023). Collection method: clinical testing. Allele origin: unknown.
Comment: NM_000426.3(LAMA2):c.4459G>T(E1487*) is expected to be pathogenic in the context of LAMA2-related muscular dystrophy. This variant is predicted to lead to an abnormal or absent protein product due to the creation of a premature termination codon in LAMA2, a gene where loss-of-function variants are known to be pathogenic. Please note: this variant was assessed in the context of healthy population screening.

NM_000426.4(LAMA2):c.4459G>T (p.Glu1487Ter)

Gene: LAMA2 (laminin subunit alpha 2; plus strand). Cytogenetic location: 6q22.33.
Variant type: single nucleotide variant.
Coding change: c.4459G>T on transcript NM_000426.4 (MANE Select); coding-DNA position 4459, G replaced by T.
Protein change: p.Glu1487Ter; replaces glutamic acid 1487 with a stop codon.
Molecular consequence: nonsense.
Genome position (GRCh38, 1-based): chr6:129,349,320, G>T. VCF-style: chr6-129349320-G-T. GRCh37 (hg19) VCF-style: chr6-129670465-G-T.
Other names: c.4459G>T, p.Glu1487Ter (NM_001079823.2); short protein forms E1487*.
Identifiers: ClinVar variation 983925 (VCV000983925.4), dbSNP rs1776730034, ClinGen allele CA365617347.